The following is an entry in ClinVar:

NM_018418.5(SPATA7):c.3G>T (p.Met1Ile)

Genes: SPATA7 (spermatogenesis associated 7; plus strand), LOC130056226 (ATAC-STARR-seq lymphoblastoid active region 8840; plus strand). Cytogenetic location: 14q31.3.
Variant type: single nucleotide variant.
Coding change: c.3G>T on transcript NM_018418.5 (MANE Select); coding-DNA position 3, G replaced by T.
Protein change: p.Met1Ile; changes the start codon (methionine 1).
Molecular consequence: missense variant, initiator codon variant.
Genome position (GRCh38, 1-based): chr14:88,385,821, G>T. VCF-style: chr14-88385821-G-T. GRCh37 (hg19) VCF-style: chr14-88852165-G-T.
Other names: c.3G>T, p.Met1Ile (NM_001040428.4); short protein forms M1I.
Identifiers: ClinVar variation 1704585 (VCV001704585.3), dbSNP rs200244203, ClinGen allele CA7298307.

ClinVar aggregate classification (germline): Likely pathogenic (1 of 4 stars; one submission).

Conditions:
Leber congenital amaurosis (LCA). Also called: Leber's amaurosis. Identifiers: Orphanet 65, MedGen C0339527, MeSH D057130, MONDO:0018998.

Submission:

Women's Health and Genetics/Laboratory Corporation of America, LabCorp
Classification: Likely pathogenic for Leber congenital amaurosis. Last evaluated: 2022-07-05. Review status: criteria provided, single submitter. Criteria: LabCorp Variant Classification Summary - May 2015. Collection method: clinical testing. Allele origin: germline.
Comment: Variant summary: SPATA7 c.3G>T (p.Met1?) alters the initiation codon and is predicted to result either in absence of the protein or truncation of the encoded protein due to translation initiation at a downstream codon. An alternative downstream in-frame start codon (Met 52) is located in exon 3 of the encoded protein. An activation of potential downstream translation initiation site would result in a truncated protein. At-least two other presumably pathogenic truncating variants have been reported upstream of this alternate codon in the HGMD database (example, c.20_21delTC, p.Val7Glufs*16). The variant allele was found at a frequency of 8.6e-06 in 233902 control chromosomes. The available data on variant occurrences in the general population are insufficient to allow any conclusion about variant significance. c.3G>T has been reported in the literature in at-least one individual affected with Leber Congenital Amaurosis in whom a second variant was not identified (example, Perrault_2010). These data do not allow any conclusion about variant significance. To our knowledge, no experimental evidence demonstrating an impact on protein function has been reported. No clinical diagnostic laboratories have submitted clinical-significance assessments for this variant to ClinVar after 2014. Based on the evidence outlined above, the variant was classified as likely pathogenic.

Literature cited by the submitters: PubMed 26854980; PubMed 20104588.